The following is an entry in ClinVar:

ClinVar aggregate classification (germline): Benign (1 of 4 stars; one submission).

Conditions:
Hereditary sensory neuropathy-deafness-dementia syndrome. Also called: NEUROPATHY, HEREDITARY SENSORY, WITH HEARING LOSS AND DEMENTIA; Hereditary Sensory and Autonomic Neuropathy Type 1E (HSAN1E); Hereditary sensory neuropathy type IE; HSN IE. Identifiers: Orphanet 456318, MedGen C3279885, MONDO:0013584, OMIM 614116.

Allele frequency attached by ClinVar (database versions not stated): gnomAD exomes 0.00003 and 0.00004; ExAC 0.00010; TOPMed 0.00001; gnomAD 0.00001.

Submission:

Illumina Laboratory Services, Illumina
Classification: Benign for Hereditary sensory neuropathy-deafness-dementia syndrome. Last evaluated: 2018-01-13. Review status: criteria provided, single submitter. Criteria: ICSL Variant Classification Criteria 13 December 2019. Collection method: clinical testing. Allele origin: germline.
Comment: This variant was observed in the ICSL laboratory as part of a predisposition screen in an ostensibly healthy population. It had not been previously curated by ICSL or reported in the Human Gene Mutation Database (HGMD: prior to June 1st, 2018), and was therefore a candidate for classification through an automated scoring system. Utilizing variant allele frequency, disease prevalence and penetrance estimates, and inheritance mode, an automated score was calculated to assess if this variant is too frequent to cause the disease. Based on the score and internal cut-off values, a variant classified as benign is not then subjected to further curation. The score for this variant resulted in a classification of benign for this disease.

NM_001130823.1(DNMT1):c.-72C>T

Gene: DNMT1 (DNA methyltransferase 1; minus strand). Cytogenetic location: 19p13.2.
Variant type: single nucleotide variant.
Coding change: c.-72C>T on transcript NM_001130823.1; 72 bases upstream of the start codon, C replaced by T.
Genome position (GRCh38, 1-based): chr19:10,194,971, G>A on the plus strand (C>T on the coding strand, the complement: DNMT1 is on the minus strand). VCF-style: chr19-10194971-G-A. GRCh37 (hg19) VCF-style: chr19-10305647-G-A.
Identifiers: ClinVar variation 327930 (VCV000327930.7), dbSNP rs779334757, ClinGen allele CA9188919.